The following is an entry in ClinVar:

NM_017780.4(CHD7):c.1123C>T (p.Gln375Ter)

Gene: CHD7 (chromodomain helicase DNA binding protein 7; plus strand). Cytogenetic location: 8q12.2.
Variant type: single nucleotide variant.
Coding change: c.1123C>T on transcript NM_017780.4 (MANE Select); coding-DNA position 1123, C replaced by T.
Protein change: p.Gln375Ter; replaces glutamine 375 with a stop codon.
Molecular consequence: nonsense.
Genome position (GRCh38, 1-based): chr8:60,742,555, C>T. VCF-style: chr8-60742555-C-T. GRCh37 (hg19) VCF-style: chr8-61655114-C-T.
Other names: c.1123C>T (LRG_176t1); c.1123C>T, p.Gln375Ter (NM_001316690.1); short protein forms Q375*.
Identifiers: ClinVar variation 379790 (VCV000379790.2), dbSNP rs1057520734, ClinGen allele CA16605398.

ClinVar aggregate classification (germline): Pathogenic (1 of 4 stars; one submission).

Submission:

GeneDx
Classification: Pathogenic. Last evaluated: 2015-05-12. Review status: criteria provided, single submitter. Criteria: GeneDx Variant Classification (06012015). Collection method: clinical testing. Allele origin: germline. Affected: yes.
Comment: The Q375X nonsense variant in the CHD7 gene that has been reported previously inassociation with CHARGE (Janssen et al., 2012). This variant is predicted to cause loss of normal protein function either through protein truncation or nonsense-mediated mRNA decay. Therefore, we interpret this variant as pathogenic.